The following is an entry in ClinVar:

NM_153240.5(NPHP3):c.3493C>T (p.Arg1165Trp)

Genes: NPHP3 (nephrocystin 3; minus strand), NPHP3-ACAD11 (NPHP3-ACAD11 readthrough (NMD candidate); minus strand). Cytogenetic location: 3q22.1.
Variant type: single nucleotide variant.
Coding change: c.3493C>T on transcript NM_153240.5 (MANE Select); coding-DNA position 3493, C replaced by T.
Protein change: p.Arg1165Trp; replaces arginine 1165 with tryptophan.
Molecular consequence: missense variant. On other transcripts: non-coding transcript variant (1).
Genome position (GRCh38, 1-based): chr3:132,684,631, G>A on the plus strand (C>T on the coding strand, the complement: NPHP3 is on the minus strand). VCF-style: chr3-132684631-G-A. GRCh37 (hg19) VCF-style: chr3-132403475-G-A.
Other names: short protein forms R1165W.
Identifiers: ClinVar variation 499980 (VCV000499980.8), dbSNP rs1330141890, ClinGen allele CA354578878.

ClinVar aggregate classification (germline): Uncertain significance. Review status: criteria provided, multiple submitters, no conflicts (2 of 4 stars). 2 submissions from 2 submitters: Uncertain significance (2). Last evaluated 2021-12-21.

Conditions:
Nephronophthisis. Also called: Juvenile Nephronophthisis. Identifiers: Orphanet 655, MedGen C0687120, MONDO:0019005, HP:0000090.

Allele frequency attached by ClinVar (database versions not stated): gnomAD exomes 0.00001; TOPMed below 0.00001; gnomAD 0.00001.
gnomAD v4.1: 11 of 1,613,834 alleles (0.00068%); highest among the groups gnomAD compares: Admixed American, 0.005%; no homozygotes.

Submissions (2):

Labcorp Genetics (formerly Invitae), Labcorp
Classification: Uncertain significance for Nephronophthisis. Last evaluated: 2021-12-21. Review status: criteria provided, single submitter. Criteria: Invitae Variant Classification Sherloc (09022015). Collection method: clinical testing. Allele origin: germline.
Comment: Algorithms developed to predict the effect of missense changes on protein structure and function are either unavailable or do not agree on the potential impact of this missense change (SIFT: "Deleterious"; PolyPhen-2: "Probably Damaging"; Align-GVGD: "Class C0"). In summary, the available evidence is currently insufficient to determine the role of this variant in disease. Therefore, it has been classified as a Variant of Uncertain Significance. ClinVar contains an entry for this variant (Variation ID: 499980). This variant has not been reported in the literature in individuals affected with NPHP3-related conditions. This variant is present in population databases (no rsID available, gnomAD 0.006%). This sequence change replaces arginine, which is basic and polar, with tryptophan, which is neutral and slightly polar, at codon 1165 of the NPHP3 protein (p.Arg1165Trp).

Eurofins Ntd Llc (ga)
Classification: Uncertain significance. Last evaluated: 2017-01-16. Review status: criteria provided, single submitter. Criteria: EGL Classification Definitions 2015. Collection method: clinical testing. Allele origin: germline. Observed: 1 variant allele, 1 heterozygote.